The following is an entry in ClinVar:

ClinVar aggregate classification (germline): Uncertain significance. Review status: criteria provided, multiple submitters, no conflicts (2 of 4 stars). 2 submissions from 2 submitters: Uncertain significance (2). Last evaluated 2025-12-02.

Conditions:
Cardiovascular phenotype. Identifiers: MedGen CN230736.
Anterior segment dysgenesis. Also called: Ocular anterior segment dysgenesis. Identifiers: Orphanet 88632, MedGen C1862839, MONDO:0019503, HP:0007700.
Congenital primary aphakia. Also called: ANTERIOR SEGMENT DYSGENESIS 2; Anterior segment dysgenesis 2, multiple subtypes. Identifiers: Orphanet 83461, MedGen C1853230, MONDO:0012456, OMIM 610256.

Allele frequency attached by ClinVar (database versions not stated): gnomAD 0.00001; TOPMed 0.00001.

Submissions (2):

Labcorp Genetics (formerly Invitae), Labcorp
Classification: Uncertain significance for Anterior segment dysgenesis; Congenital primary aphakia. Last evaluated: 2025-12-02. Review status: criteria provided, single submitter. Criteria: Invitae Variant Classification Sherloc (09022015). Collection method: clinical testing. Allele origin: germline.
Comment: This sequence change replaces alanine, which is neutral and non-polar, with serine, which is neutral and polar, at codon 257 of the FOXE3 protein (p.Ala257Ser). This variant is present in population databases (no rsID available, gnomAD 0.01%). This variant has not been reported in the literature in individuals affected with FOXE3-related conditions. ClinVar contains an entry for this variant (Variation ID: 1760188). Invitae Evidence Modeling of protein sequence and biophysical properties (such as structural, functional, and spatial information, amino acid conservation, physicochemical variation, residue mobility, and thermodynamic stability) indicates that this missense variant is not expected to disrupt FOXE3 protein function with a negative predictive value of 95%. In summary, the available evidence is currently insufficient to determine the role of this variant in disease. Therefore, it has been classified as a Variant of Uncertain Significance.

Ambry Genetics
Classification: Uncertain significance for Cardiovascular phenotype. Last evaluated: 2025-08-10. Review status: criteria provided, single submitter. Criteria: Ambry Variant Classification Scheme 2023. Collection method: clinical testing. Allele origin: germline.

NM_012186.3(FOXE3):c.769G>T (p.Ala257Ser)

Genes: FOXE3 (forkhead box E3; plus strand), LINC01389 (long independently transcribed non-coding RNA 1389; minus strand). Cytogenetic location: 1p33.
Variant type: single nucleotide variant.
Coding change: c.769G>T on transcript NM_012186.3 (MANE Select); coding-DNA position 769, G replaced by T.
Protein change: p.Ala257Ser; replaces alanine 257 with serine.
Molecular consequence: missense variant.
Genome position (GRCh38, 1-based): chr1:47,417,084, G>T. VCF-style: chr1-47417084-G-T. GRCh37 (hg19) VCF-style: chr1-47882756-G-T.
Other names: short protein forms A257S.
Identifiers: ClinVar variation 1760188 (VCV001760188.4), dbSNP rs1052469154, ClinGen allele CA22069263.